The following is an entry in ClinVar:

ClinVar aggregate classification (germline): Uncertain significance (1 of 4 stars; one submission).

Submission:

Ambry Genetics
Classification: Uncertain significance. Last evaluated: 2021-09-12. Review status: criteria provided, single submitter. Criteria: Ambry Variant Classification Scheme 2023. Collection method: clinical testing. Allele origin: germline.
Comment: The p.I2361S variant (also known as c.7082T>G), located in coding exon 53 of the PRKDC gene, results from a T to G substitution at nucleotide position 7082. The isoleucine at codon 2361 is replaced by serine, an amino acid with dissimilar properties. This amino acid position is conserved. In addition, the in silico prediction for this alteration is inconclusive. Since supporting evidence is limited at this time, the clinical significance of this alteration remains unclear.

NM_006904.7(PRKDC):c.7082T>G (p.Ile2361Ser)

Gene: PRKDC (protein kinase, DNA-activated, catalytic subunit; minus strand). Cytogenetic location: 8q11.21.
Variant type: single nucleotide variant.
Coding change: c.7082T>G on transcript NM_006904.7 (MANE Select); coding-DNA position 7082, T replaced by G.
Protein change: p.Ile2361Ser; replaces isoleucine 2361 with serine.
Molecular consequence: missense variant.
Genome position (GRCh38, 1-based): chr8:47,849,427, A>C on the plus strand (T>G on the coding strand, the complement: PRKDC is on the minus strand). VCF-style: chr8-47849427-A-C. GRCh37 (hg19) VCF-style: chr8-48761988-A-C.
Other names: c.7082T>G, p.Ile2361Ser (NM_001081640.2); short protein forms I2361S.
Identifiers: ClinVar variation 1757051 (VCV001757051.2), dbSNP rs2551868724, ClinGen allele CA371157891.